The following is an entry in ClinVar:

NM_004035.7(ACOX1):c.1299-1G>T

Gene: ACOX1 (acyl-CoA oxidase 1; minus strand). Cytogenetic location: 17q25.1.
Variant type: single nucleotide variant.
Coding change: c.1299-1G>T on transcript NM_004035.7 (MANE Select); the canonical splice acceptor site of the intron before coding-DNA position 1299, G replaced by T.
Molecular consequence: splice acceptor variant.
Genome position (GRCh38, 1-based): chr17:75,949,898, C>A on the plus strand (G>T on the coding strand, the complement: ACOX1 is on the minus strand). VCF-style: chr17-75949898-C-A. GRCh37 (hg19) VCF-style: chr17-73945979-C-A.
Other names: c.1299-1G>T (NM_007292.6); c.1185-1G>T (NM_001185039.2).
Identifiers: ClinVar variation 2841818 (VCV002841818.3), dbSNP rs2546075268, ClinGen allele CA401061591.

ClinVar aggregate classification (germline): Likely pathogenic (1 of 4 stars; one submission).

Conditions:
Acyl-CoA oxidase deficiency. Also called: Pseudoneonatal adrenoleukodystrophy; Peroxisomal acyl-CoA oxidase deficiency; STRAIGHT-CHAIN ACYL-CoA OXIDASE DEFICIENCY. Identifiers: Orphanet 2971, MedGen C1849678, MONDO:0009919, OMIM 264470. Disease mechanism: loss of function.

Submission:

Labcorp Genetics (formerly Invitae), Labcorp
Classification: Likely pathogenic for Acyl-CoA oxidase deficiency. Last evaluated: 2023-03-01. Review status: criteria provided, single submitter. Criteria: Invitae Variant Classification Sherloc (09022015). Collection method: clinical testing. Allele origin: germline.
Comment: This variant is not present in population databases (gnomAD no frequency). This sequence change affects an acceptor splice site in intron 9 of the ACOX1 gene. It is expected to disrupt RNA splicing. Variants that disrupt the donor or acceptor splice site typically lead to a loss of protein function (PMID: 16199547), and loss-of-function variants in ACOX1 are known to be pathogenic (PMID: 8040306, 17458872). This variant has not been reported in the literature in individuals affected with ACOX1-related conditions. Algorithms developed to predict the effect of sequence changes on RNA splicing suggest that this variant may disrupt the consensus splice site. In summary, the currently available evidence indicates that the variant is pathogenic, but additional data are needed to prove that conclusively. Therefore, this variant has been classified as Likely Pathogenic.

Literature cited by the submitters: PubMed 16199547; PubMed 8040306; PubMed 17458872.